The following is an entry in ClinVar:

NM_032383.5(HPS3):c.2847TGG[1] (p.Gly951del)

Genes: CP (ceruloplasmin; minus strand), HPS3 (HPS3 biogenesis of lysosomal organelles complex 2 subunit 1; plus strand). Cytogenetic location: 3q24.
Variant type: Microsatellite.
Coding change: c.2847TGG[1] on transcript NM_032383.5 (MANE Select); one copy of the 3-base unit TGG starting at c.2847; the reference has two copies in a row; one copy, 3 bases deleted.
Protein change: p.Gly951del; deletes glycine 951.
Molecular consequence: inframe deletion.
Genome position (GRCh38, 1-based): chr3:149,167,946-149,167,948, TGG deleted; deleting any 3 consecutive bases within chr3:149,167,942-149,167,948 gives the same sequence; the position shown is the placement nearest the transcript's 3' end. VCF-style (leftmost placement, unchanged base first): chr3-149167941-TGTG-T. GRCh37 (hg19) VCF-style: chr3-148885728-TGTG-T.
Other names: c.2352TGG[1], p.Gly786del (NM_001308258.2); short protein forms G786del, G951del.
Identifiers: ClinVar variation 2148179 (VCV002148179.2), dbSNP rs750099827, ClinGen allele CA2660482.

ClinVar aggregate classification (germline): Uncertain significance. Review status: criteria provided, multiple submitters, no conflicts (2 of 4 stars). 2 submissions from 2 submitters: Uncertain significance (2). Last evaluated 2024-01-09.

Submissions (2):

Blueprint Genetics
Classification: Uncertain significance. Last evaluated: 2024-01-09. Review status: criteria provided, single submitter. Criteria: ACMG Guidelines, 2015. Collection method: clinical testing. Allele origin: germline.

Labcorp Genetics (formerly Invitae), Labcorp
Classification: Uncertain significance. Last evaluated: 2022-09-24. Review status: criteria provided, single submitter. Criteria: Invitae Variant Classification Sherloc (09022015). Collection method: clinical testing. Allele origin: germline.
Comment: This variant, c.2850_2852del, results in the deletion of 1 amino acid(s) of the HPS3 protein (p.Gly951del), but otherwise preserves the integrity of the reading frame. This variant is present in population databases (rs750099827, gnomAD 0.01%). This variant has not been reported in the literature in individuals affected with HPS3-related conditions. Experimental studies and prediction algorithms are not available or were not evaluated, and the functional significance of this variant is currently unknown. In summary, the available evidence is currently insufficient to determine the role of this variant in disease. Therefore, it has been classified as a Variant of Uncertain Significance.